The following is an entry in ClinVar:

NM_001042492.3(NF1):c.6922-16A>T

Gene: NF1 (neurofibromin 1; plus strand). Cytogenetic location: 17q11.2.
Variant type: single nucleotide variant.
Coding change: c.6922-16A>T on transcript NM_001042492.3 (MANE Select); 16 bases into the intron before coding-DNA position 6922, A replaced by T.
Molecular consequence: intron variant.
Genome position (GRCh38, 1-based): chr17:31,340,489, A>T. VCF-style: chr17-31340489-A-T. GRCh37 (hg19) VCF-style: chr17-29667507-A-T.
Other names: c.6859-16A>T (NM_000267.4).
Identifiers: ClinVar variation 2705372 (VCV002705372.4), dbSNP rs202158964, ClinGen allele CA625472302.

ClinVar aggregate classification (germline): Likely benign. Review status: criteria provided, multiple submitters, no conflicts (2 of 4 stars). 2 submissions from 2 submitters: Likely benign (2). Last evaluated 2026-05-13.

Conditions:
Neurofibromatosis, type 1 (NF1). Also called: VON RECKLINGHAUSEN DISEASE; Neurofibromatosis, type I; NEUROFIBROMATOSIS, TYPE I, SOMATIC; Peripheral type neurofibromatosis. Identifiers: Orphanet 636, MedGen C0027831, MONDO:0018975, OMIM 162200. Disease mechanism: loss of function.

gnomAD v4.1: 1 of 1,612,850 alleles (0.000062%); highest among the groups gnomAD compares: East Asian, 0.0022%; no homozygotes.

Submissions (2):

Myriad Genetics, Inc.
Classification: Likely benign for Neurofibromatosis, type 1. Last evaluated: 2026-05-13. Review status: criteria provided, single submitter. Criteria: Myriad Autosomal Dominant, Autosomal Recessive and X-Linked Classification Criteria (2023). Collection method: clinical testing. Allele origin: unknown.
Comment: This variant is considered likely benign. This variant is intronic and is not expected to impact mRNA splicing.

Labcorp Genetics (formerly Invitae), Labcorp
Classification: Likely benign for Neurofibromatosis, type 1. Last evaluated: 2025-03-24. Review status: criteria provided, single submitter. Criteria: Invitae Variant Classification Sherloc (09022015). Collection method: clinical testing. Allele origin: germline.